The following is an entry in ClinVar:

ClinVar aggregate classification (germline): Uncertain significance. Review status: criteria provided, multiple submitters, no conflicts (2 of 4 stars). 2 submissions from 2 submitters: Uncertain significance (2). Last evaluated 2024-12-02.

Conditions:
Inborn genetic diseases. Identifiers: MedGen C0950123, MeSH D030342.

Allele frequency attached by ClinVar (database versions not stated): TOPMed 0.00002; gnomAD exomes 0.00003; ExAC 0.00004.
gnomAD v4.1: 20 of 1,613,808 alleles (0.0012%); highest among the groups gnomAD compares: Admixed American, 0.033%; no homozygotes.

Submissions (2):

Labcorp Genetics (formerly Invitae), Labcorp
Classification: Uncertain significance. Last evaluated: 2024-12-02. Review status: criteria provided, single submitter. Criteria: Invitae Variant Classification Sherloc (09022015). Collection method: clinical testing. Allele origin: germline.
Comment: This sequence change replaces lysine, which is basic and polar, with glutamine, which is neutral and polar, at codon 120 of the AIMP2 protein (p.Lys120Gln). This variant is present in population databases (rs775788927, gnomAD 0.05%). This variant has not been reported in the literature in individuals affected with AIMP2-related conditions. ClinVar contains an entry for this variant (Variation ID: 2053015). An algorithm developed to predict the effect of missense changes on protein structure and function (PolyPhen-2) suggests that this variant is likely to be disruptive. In summary, the available evidence is currently insufficient to determine the role of this variant in disease. Therefore, it has been classified as a Variant of Uncertain Significance.

Ambry Genetics
Classification: Uncertain significance for Inborn genetic diseases. Last evaluated: 2021-04-07. Review status: criteria provided, single submitter. Criteria: Ambry Variant Classification Scheme 2023. Collection method: clinical testing. Allele origin: germline.

NM_006303.4(AIMP2):c.358A>C (p.Lys120Gln)

Gene: AIMP2 (aminoacyl tRNA synthetase complex interacting multifunctional protein 2; plus strand). Cytogenetic location: 7p22.1.
Variant type: single nucleotide variant.
Coding change: c.358A>C on transcript NM_006303.4 (MANE Select); coding-DNA position 358, A replaced by C.
Protein change: p.Lys120Gln; replaces lysine 120 with glutamine.
Molecular consequence: missense variant.
Genome position (GRCh38, 1-based): chr7:6,017,829, A>C. VCF-style: chr7-6017829-A-C. GRCh37 (hg19) VCF-style: chr7-6057460-A-C.
Other names: c.238A>C, p.Lys80Gln (NM_001326606.2); c.151A>C, p.Lys51Gln (NM_001326607.2); c.124A>C, p.Lys42Gln (NM_001326609.2, NM_001326610.2, NM_001326611.3); c.271A>C, p.Lys91Gln (NM_001362785.2); c.226A>C, p.Lys76Gln (NM_001362787.2); short protein forms K120Q, K42Q, K51Q, K76Q, K91Q, K80Q.
Identifiers: ClinVar variation 2053015 (VCV002053015.4), dbSNP rs775788927, ClinGen allele CA4150331.